The following is an entry in ClinVar:

ClinVar aggregate classification (germline): Likely pathogenic. Review status: criteria provided, multiple submitters, no conflicts (2 of 4 stars). 3 submissions from 3 submitters: Likely pathogenic (3). Last evaluated 2026-09-08.

Conditions:
Fabry disease. Also called: Fabry's disease; ALPHA-GALACTOSIDASE A DEFICIENCY; ANDERSON-FABRY DISEASE; CERAMIDE TRIHEXOSIDASE DEFICIENCY; GLA DEFICIENCY; HEREDITARY DYSTOPIC LIPIDOSIS. Identifiers: Orphanet 324, MedGen C0002986, MONDO:0010526, OMIM 301500, HP:0001071. Disease mechanism: Fabry disease is due to inactivating mutations in the X-linked GLA gene resulting in deficiency of the enzyme Alpha Galactosidase-A., loss of function.
Cardiovascular phenotype. Identifiers: MedGen CN230736.

Submissions (3):

Genomenon, Inc
Classification: Likely pathogenic for Fabry disease. Last evaluated: 2026-09-08. Review status: criteria provided, single submitter. Criteria: Genomenon Sequence Variant Interpretation Standards - Updated. Collection method: curation. Allele origin: germline. Affected: yes.
Comment: GLA p.Leu16Pro (c.47T>C) is a missense variant that changes the amino acid at codon 16 from Leucine to Proline. This variant has been observed in at least one proband with clinical features consistent with Fabry disease (PMID:15947062). The variant was found to segregate with disease in at least one affected family (PMID:15947062). At least one functional study has demonstrated a substantial alteration in protein function relative to the wild-type (PMID:27657681). It is absent or not present at a significant frequency in gnomAD. In silico models predict that this variant is possibly or probably damaging. In conclusion, we classify GLA p.Leu16Pro (c.47T>C) as a likely pathogenic variant.

Labcorp Genetics (formerly Invitae), Labcorp
Classification: Likely pathogenic for Fabry disease. Last evaluated: 2022-03-11. Review status: criteria provided, single submitter. Criteria: Invitae Variant Classification Sherloc (09022015). Collection method: clinical testing. Allele origin: germline.
Comment: This sequence change replaces leucine, which is neutral and non-polar, with proline, which is neutral and non-polar, at codon 16 of the GLA protein (p.Leu16Pro). In summary, the currently available evidence indicates that the variant is pathogenic, but additional data are needed to prove that conclusively. Therefore, this variant has been classified as Likely Pathogenic. This variant disrupts the p.Leu16 amino acid residue in GLA. Other variant(s) that disrupt this residue have been observed in individuals with GLA-related conditions (PMID: 30386727, 30988410), which suggests that this may be a clinically significant amino acid residue. Algorithms developed to predict the effect of missense changes on protein structure and function are either unavailable or do not agree on the potential impact of this missense change (SIFT: "Deleterious"; PolyPhen-2: "Possibly Damaging"; Align-GVGD: "Class C0"). This missense change has been observed in individual(s) with Fabry disease (PMID: 15947062). It has also been observed to segregate with disease in related individuals. This variant is not present in population databases (gnomAD no frequency).

Ambry Genetics
Classification: Likely pathogenic for Cardiovascular phenotype. Last evaluated: 2018-09-12. Review status: criteria provided, single submitter. Criteria: Ambry Variant Classification Scheme 2023. Collection method: clinical testing. Allele origin: germline.
Comment: The p.L16P variant (also known as c.47T>C), located in coding exon 1 of the GLA gene, results from a T to C substitution at nucleotide position 47. The leucine at codon 16 is replaced by proline, an amino acid with similar properties. This variant segregated with disease in tested individuals in a family reported to have Fabry disease, with features including cerebrovascular findings, unspecified renal and cardiac involvement, and reduced alpha-galactosidase A activity in males with this variant (Garzuly F et al. Brain, 2005 Sep;128:2078-83). In another study, this variant was reported to result in undetectable alpha-galactosidase A in HEK-293 cell lysates (Benjamin ER et al. Genet. Med., 2017 04;19:430-438). This amino acid position is not well conserved in available vertebrate species. In addition, this alteration is predicted to be deleterious by in silico analysis. Based on the majority of available evidence to date, this variant is likely to be pathogenic.

Literature cited by the submitters: PubMed 15947062 (cited by 3 submitters); PubMed 27657681 (cited by Genomenon, Inc and Ambry Genetics); PubMed 30386727 (cited by Labcorp Genetics (formerly Invitae), Labcorp); PubMed 30988410 (cited by Labcorp Genetics (formerly Invitae), Labcorp); PubMed 25382311 (cited by Ambry Genetics).

NM_000169.3(GLA):c.47T>C (p.Leu16Pro)

Genes: RPL36A-HNRNPH2 (RPL36A-HNRNPH2 readthrough; plus strand), GLA (galactosidase alpha; minus strand). Cytogenetic location: Xq22.1.
Variant type: single nucleotide variant.
Coding change: c.47T>C on transcript NM_000169.3 (MANE Select); coding-DNA position 47, T replaced by C.
Protein change: p.Leu16Pro; replaces leucine 16 with proline.
Molecular consequence: missense variant. On other transcripts: non-coding transcript variant (3), intron variant (2).
Genome position (GRCh38, 1-based): chrX:101,407,857, A>G on the plus strand (T>C on the coding strand, the complement: GLA is on the minus strand). VCF-style: chrX-101407857-A-G. GRCh37 (hg19) VCF-style: chrX-100662845-A-G.
Other names: c.47T>C, p.Leu16Pro (NM_001406747.1, NM_001406748.1, NM_001406749.1); c.301-4079A>G (NM_001199973.2); c.178-4079A>G (NM_001199974.2); short protein forms L16P.
Identifiers: ClinVar variation 1743191 (VCV001743191.9), dbSNP rs869312310, ClinGen allele CA413937741.
Genomic context (GRCh38, chrX:101,407,857, plus strand): 5'-AATCCATTGTCCAGTGCTCTAGCCCCAGGGATGTCCCAGGAAACGAGGGCCAGGAAGCGA[A>G]GCGCAAGCGCGCAGCCCAGATGTAGTTCTGGGTTCCTCAGCTGCATTGTCACGGTGACCG-3'
Protein context (NP_000160.1, residues 6-26): PELHLGCALA[Leu16Pro]RFLALVSWDI